The following is an entry in ClinVar:

ClinVar aggregate classification (germline): Uncertain significance (1 of 4 stars; one submission).

Conditions:
Long QT syndrome (LQTS). Identifiers: MedGen C0023976, MeSH D008133, MONDO:0002442. Disease mechanism: loss of function. Inheritance: Various modes of inheritance.

Submission:

Labcorp Genetics (formerly Invitae), Labcorp
Classification: Uncertain significance for Long QT syndrome. Last evaluated: 2024-11-24. Review status: criteria provided, single submitter. Criteria: Invitae Variant Classification Sherloc (09022015). Collection method: clinical testing. Allele origin: germline.
Comment: This sequence change replaces alanine, which is neutral and non-polar, with valine, which is neutral and non-polar, at codon 7 of the ANK2 protein (p.Ala7Val). This variant is not present in population databases (gnomAD no frequency). This variant has not been reported in the literature in individuals affected with ANK2-related conditions. An algorithm developed to predict the effect of missense changes on protein structure and function (PolyPhen-2) suggests that this variant is likely to be disruptive. In summary, the available evidence is currently insufficient to determine the role of this variant in disease. Therefore, it has been classified as a Variant of Uncertain Significance.

NM_001148.6(ANK2):c.20C>T (p.Ala7Val)

Gene: ANK2 (ankyrin 2; plus strand). Cytogenetic location: 4q25.
Variant type: single nucleotide variant.
Coding change: c.20C>T on transcript NM_001148.6 (MANE Select); coding-DNA position 20, C replaced by T.
Protein change: p.Ala7Val; replaces alanine 7 with valine.
Molecular consequence: missense variant. On other transcripts: intron variant (43).
Genome position (GRCh38, 1-based): chr4:113,049,748, C>T. VCF-style: chr4-113049748-C-T. GRCh37 (hg19) VCF-style: chr4-113970904-C-T.
Other names: c.20C>T, p.Ala7Val (NM_001354225.2, NM_001354228.2, NM_001354232.2 and 10 more transcripts); c.73-124668C>T (NM_001386186.2, NM_001386148.2, NM_001354269.3 and 1 more transcripts); c.22-101332C>T (NM_001386147.1, NM_001386160.1, NM_001354261.2); c.22-124668C>T (NM_001354254.2, NM_001354239.2, NM_001354252.2 and 33 more transcripts); short protein forms A7V.
Identifiers: ClinVar variation 3710365 (VCV003710365.2).